The following is an entry in ClinVar:

ClinVar aggregate classification (germline): Likely benign (1 of 4 stars; one submission).

Allele frequency attached by ClinVar (database versions not stated): gnomAD 0.00002; TOPMed 0.00002; ExAC 0.00010.
gnomAD v4.1: 97 of 1,613,744 alleles (0.006%); highest among the groups gnomAD compares: Non-Finnish European, 0.0079%; no homozygotes.

Submission:

CeGaT Center for Human Genetics Tuebingen
Classification: Likely benign. Last evaluated: 2024-03-01. Review status: criteria provided, single submitter. Criteria: CeGaT Center For Human Genetics Tuebingen Variant Classification Criteria Version 2. Collection method: clinical testing. Allele origin: germline. Affected: yes. Observed: 1 variant allele.
Comment: ESRP1: BP7

NM_017697.4(ESRP1):c.1656G>T (p.Leu552=)

Gene: ESRP1 (epithelial splicing regulatory protein 1; plus strand). Cytogenetic location: 8q22.1.
Variant type: single nucleotide variant.
Coding change: c.1656G>T on transcript NM_017697.4 (MANE Select); coding-DNA position 1656, G replaced by T.
Protein change: p.Leu552=; no amino-acid change (leucine 552 retained).
Molecular consequence: synonymous variant.
Genome position (GRCh38, 1-based): chr8:94,678,207, G>T. VCF-style: chr8-94678207-G-T. GRCh37 (hg19) VCF-style: chr8-95690435-G-T.
Other names: c.1644G>T, p.Leu548= (NM_001034915.3, NM_001122826.2, NM_001122827.2); c.1656G>T, p.Leu552= (NM_001122825.2).
Identifiers: ClinVar variation 2499077 (VCV002499077.28), dbSNP rs764107599, ClinGen allele CA4812321.